The following is an entry in ClinVar:

ClinVar aggregate classification (germline): Uncertain significance. Review status: criteria provided, multiple submitters, no conflicts (2 of 4 stars). 2 submissions from 2 submitters: Uncertain significance (2). Last evaluated 2026-01-22.

Conditions:
Familial meningioma. Also called: Meningioma, familial, susceptibility to. Identifiers: Orphanet 263662, MedGen C3551915, MONDO:0011789, OMIM 607174.
Hereditary cancer-predisposing syndrome. Also called: Neoplastic Syndromes, Hereditary; Tumor predisposition; Hereditary Cancer Syndrome; Hereditary neoplastic syndrome. Identifiers: Orphanet 140162, MedGen C0027672, MeSH D009386, MONDO:0015356.

Submissions (2):

Ambry Genetics
Classification: Uncertain significance for Hereditary cancer-predisposing syndrome. Last evaluated: 2026-01-22. Review status: criteria provided, single submitter. Criteria: Ambry Variant Classification Scheme 2023. Collection method: clinical testing. Allele origin: germline.
Comment: The p.N268H variant (also known as c.802A>C), located in coding exon 8 of the SMARCE1 gene, results from an A to C substitution at nucleotide position 802. The asparagine at codon 268 is replaced by histidine, an amino acid with similar properties. This amino acid position is conserved. In addition, this alteration is predicted to be tolerated by in silico analysis. Based on the available evidence, the clinical significance of this variant remains unclear.

Labcorp Genetics (formerly Invitae), Labcorp
Classification: Uncertain significance for Familial meningioma. Last evaluated: 2020-12-06. Review status: criteria provided, single submitter. Criteria: Invitae Variant Classification Sherloc (09022015). Collection method: clinical testing. Allele origin: germline.
Comment: In summary, the available evidence is currently insufficient to determine the role of this variant in disease. Therefore, it has been classified as a Variant of Uncertain Significance. Algorithms developed to predict the effect of missense changes on protein structure and function are either unavailable or do not agree on the potential impact of this missense change (SIFT: "Tolerated"; PolyPhen-2: "Possibly Damaging"; Align-GVGD: "Class C0"). This variant has not been reported in the literature in individuals with SMARCE1-related conditions. This variant is not present in population databases (ExAC no frequency). This sequence change replaces asparagine with histidine at codon 268 of the SMARCE1 protein (p.Asn268His). The asparagine residue is moderately conserved and there is a small physicochemical difference between asparagine and histidine.

NM_003079.5(SMARCE1):c.802A>C (p.Asn268His)

Gene: SMARCE1 (SWI/SNF related BAF chromatin remodeling complex subunit E1; minus strand). Cytogenetic location: 17q21.2.
Variant type: single nucleotide variant.
Coding change: c.802A>C on transcript NM_003079.5 (MANE Select); coding-DNA position 802, A replaced by C.
Protein change: p.Asn268His; replaces asparagine 268 with histidine.
Molecular consequence: missense variant.
Genome position (GRCh38, 1-based): chr17:40,631,606, T>G on the plus strand (A>C on the coding strand, the complement: SMARCE1 is on the minus strand). VCF-style: chr17-40631606-T-G. GRCh37 (hg19) VCF-style: chr17-38787858-T-G.
Other names: c.802A>C (NM_003079.4); short protein forms N268H.
Identifiers: ClinVar variation 1491789 (VCV001491789.9), dbSNP rs963534528, ClinGen allele CA290549677.